The following is an entry in ClinVar:

NM_002890.3(RASA1):c.44C>T (p.Thr15Ile)

Gene: RASA1 (RAS p21 protein activator 1; plus strand). Cytogenetic location: 5q14.3.
Variant type: single nucleotide variant.
Coding change: c.44C>T on transcript NM_002890.3 (MANE Select); coding-DNA position 44, C replaced by T.
Protein change: p.Thr15Ile; replaces threonine 15 with isoleucine.
Molecular consequence: missense variant.
Genome position (GRCh38, 1-based): chr5:87,268,495, C>T. VCF-style: chr5-87268495-C-T. GRCh37 (hg19) VCF-style: chr5-86564312-C-T.
Other names: short protein forms T15I.
Identifiers: ClinVar variation 906889 (VCV000906889.6), dbSNP rs899638423, ClinGen allele CA122462651.
Genomic context (GRCh38, chr5:87,268,495, plus strand): 5'-GTAGAGCGGGCTTCAACATGATGGCGGCCGAGGCCGGCAGTGAGGAGGGCGGCCCGGTAA[C>T]AGCCGGAGCTGGAGGAGGCGGCGCGGCAGCGGGCTCCAGTGCCTATCCCGCAGTGTGTCG-3'
Protein context (NP_002881.1, residues 5-25): EAGSEEGGPV[Thr15Ile]AGAGGGGAAA

ClinVar aggregate classification (germline): Uncertain significance. Review status: criteria provided, multiple submitters, no conflicts (2 of 4 stars). 2 submissions from 2 submitters: Uncertain significance (2). Last evaluated 2024-06-22.

Conditions:
Capillary malformation-arteriovenous malformation 1 (CMAVM1). Identifiers: Orphanet 137667, Orphanet 693907, MedGen C4747394, MONDO:0020783, OMIM 608354.
Capillary malformation-arteriovenous malformation syndrome. Also called: Capillary malformation-arteriovenous malformation. Identifiers: Orphanet 137667, MedGen C1842180, MONDO:0012016.

Allele frequency attached by ClinVar (database versions not stated): gnomAD exomes below 0.00001; TOPMed below 0.00001.
gnomAD v4.1: 5 of 1,560,394 alleles (0.00032%); highest among the groups gnomAD compares: Non-Finnish European, 0.00043%; no homozygotes.

Submissions (2):

Labcorp Genetics (formerly Invitae), Labcorp
Classification: Uncertain significance for Capillary malformation-arteriovenous malformation syndrome. Last evaluated: 2024-06-22. Review status: criteria provided, single submitter. Criteria: Invitae Variant Classification Sherloc (09022015). Collection method: clinical testing. Allele origin: germline.
Comment: This sequence change replaces threonine, which is neutral and polar, with isoleucine, which is neutral and non-polar, at codon 15 of the RASA1 protein (p.Thr15Ile). This variant is not present in population databases (gnomAD no frequency). This variant has not been reported in the literature in individuals affected with RASA1-related conditions. ClinVar contains an entry for this variant (Variation ID: 906889). An algorithm developed to predict the effect of missense changes on protein structure and function (PolyPhen-2) suggests that this variant is likely to be disruptive. In summary, the available evidence is currently insufficient to determine the role of this variant in disease. Therefore, it has been classified as a Variant of Uncertain Significance.

Illumina Laboratory Services, Illumina
Classification: Uncertain significance for Capillary malformation-arteriovenous malformation 1. Last evaluated: 2018-01-13. Review status: criteria provided, single submitter. Criteria: ICSL Variant Classification Criteria 13 December 2019. Collection method: clinical testing. Allele origin: germline.